The following is an entry in ClinVar:

ClinVar aggregate classification (germline): Likely benign (1 of 4 stars; one submission).

Allele frequency attached by ClinVar (database versions not stated): 1000 Genomes Project 0.00120; 1000 Genomes Project 30x 0.00125; ExAC 0.00176; TOPMed 0.00186; gnomAD 0.00212; ESP Exome Variant Server 0.00277; gnomAD exomes 0.00310.

Submission:

CeGaT Center for Human Genetics Tuebingen
Classification: Likely benign. Last evaluated: 2023-03-01. Review status: criteria provided, single submitter. Criteria: CeGaT Center For Human Genetics Tuebingen Variant Classification Criteria Version 2. Collection method: clinical testing. Allele origin: germline. Affected: yes. Observed: 1 variant allele.
Comment: TSC22D2: BP4, BP7, BS2

NM_001303264.2(TSC22D2):c.652C>T (p.Leu218=)

Gene: TSC22D2 (TSC22 domain family member 2; plus strand). Cytogenetic location: 3q25.1.
Variant type: single nucleotide variant.
Coding change: c.652C>T on transcript NM_001303264.2 (MANE Select); coding-DNA position 652, C replaced by T.
Protein change: p.Leu218=; no amino-acid change (leucine 218 retained).
Molecular consequence: synonymous variant. On other transcripts: non-coding transcript variant (1).
Genome position (GRCh38, 1-based): chr3:150,410,002, C>T. VCF-style: chr3-150410002-C-T. GRCh37 (hg19) VCF-style: chr3-150127789-C-T.
Other names: c.652C>T, p.Leu218= (NM_014779.4).
Identifiers: ClinVar variation 2654228 (VCV002654228.24), dbSNP rs139936521, ClinGen allele CA2663819.